The following is an entry in ClinVar:

ClinVar aggregate classification (germline): Uncertain significance (1 of 4 stars; one submission).

Allele frequency attached by ClinVar (database versions not stated): gnomAD exomes 0.00002 and 0.00006; gnomAD 0.00003 and 0.00004; ExAC 0.00005; TOPMed 0.00005; ESP Exome Variant Server 0.00008.
gnomAD v4.1: 35 of 1,605,754 alleles (0.0022%); highest among the groups gnomAD compares: Non-Finnish European, 0.00051%; no homozygotes.

Submission:

Labcorp Genetics (formerly Invitae), Labcorp
Classification: Uncertain significance. Last evaluated: 2022-04-18. Review status: criteria provided, single submitter. Criteria: Invitae Variant Classification Sherloc (09022015). Collection method: clinical testing. Allele origin: germline.
Comment: This sequence change replaces phenylalanine, which is neutral and non-polar, with serine, which is neutral and polar, at codon 205 of the SAMD11 protein (p.Phe205Ser). This variant is present in population databases (rs368585861, gnomAD 0.1%). This variant has not been reported in the literature in individuals affected with SAMD11-related conditions. Algorithms developed to predict the effect of missense changes on protein structure and function are either unavailable or do not agree on the potential impact of this missense change (SIFT: "Deleterious"; PolyPhen-2: "Possibly Damaging"; Align-GVGD: "Class C0"). In summary, the available evidence is currently insufficient to determine the role of this variant in disease. Therefore, it has been classified as a Variant of Uncertain Significance.

NM_001385641.1(SAMD11):c.1151T>C (p.Phe384Ser)

Gene: SAMD11 (sterile alpha motif domain containing 11; plus strand). Cytogenetic location: 1p36.33.
Variant type: single nucleotide variant.
Coding change: c.1151T>C on transcript NM_001385641.1 (MANE Select); coding-DNA position 1151, T replaced by C.
Protein change: p.Phe384Ser; replaces phenylalanine 384 with serine.
Molecular consequence: missense variant.
Genome position (GRCh38, 1-based): chr1:939,368, T>C. VCF-style: chr1-939368-T-C. GRCh37 (hg19) VCF-style: chr1-874748-T-C.
Other names: c.1154T>C, p.Phe385Ser (NM_001385640.1); c.614T>C, p.Phe205Ser (NM_152486.4); short protein forms F205S, F385S, F384S.
Identifiers: ClinVar variation 1373600 (VCV001373600.4), dbSNP rs368585861, ClinGen allele CA502721.